The following is an entry in ClinVar:

NM_006767.4(LZTR1):c.536G>A (p.Gly179Glu)

Gene: LZTR1 (leucine zipper like post translational regulator 1; plus strand). Cytogenetic location: 22q11.21.
Variant type: single nucleotide variant.
Coding change: c.536G>A on transcript NM_006767.4 (MANE Select); coding-DNA position 536, G replaced by A.
Protein change: p.Gly179Glu; replaces glycine 179 with glutamic acid.
Molecular consequence: missense variant.
Genome position (GRCh38, 1-based): chr22:20,988,815, G>A. VCF-style: chr22-20988815-G-A. GRCh37 (hg19) VCF-style: chr22-21343104-G-A.
Other names: short protein forms G179E.
Identifiers: ClinVar variation 1419813 (VCV001419813.8), dbSNP rs2147962691, ClinGen allele CA410780127.
Genomic context (GRCh38, chr22:20,988,815, plus strand): 5'-GCCTCACTCCCTCCCCTCTTCCCTCACACTCCAGGTTGCCAGTCGCTAGGTCAGCCCATG[G>A]GGCCACGGTGTACAGTGACAAGCTGTGGATCTTTGCTGGCTATGACGGCAACGCCAGGTG-3'
Protein context (NP_006758.2, residues 169-189): GRLPVARSAH[Gly179Glu]ATVYSDKLWI

ClinVar aggregate classification (germline): Uncertain significance (1 of 4 stars; one submission).

gnomAD v4.1: 2 of 1,614,132 alleles (0.00012%); highest among the groups gnomAD compares: Non-Finnish European, 0.00017%; no homozygotes.

Submission:

Labcorp Genetics (formerly Invitae), Labcorp
Classification: Uncertain significance. Last evaluated: 2020-11-06. Review status: criteria provided, single submitter. Criteria: Invitae Variant Classification Sherloc (09022015). Collection method: clinical testing. Allele origin: germline.
Comment: This sequence change replaces glycine with glutamic acid at codon 179 of the LZTR1 protein (p.Gly179Glu). The glycine residue is highly conserved and there is a moderate physicochemical difference between glycine and glutamic acid. This variant is not present in population databases (ExAC no frequency). This variant has not been reported in the literature in individuals with LZTR1-related conditions. Algorithms developed to predict the effect of missense changes on protein structure and function (SIFT, PolyPhen-2, Align-GVGD) all suggest that this variant is likely to be disruptive, but these predictions have not been confirmed by published functional studies and their clinical significance is uncertain. In summary, the available evidence is currently insufficient to determine the role of this variant in disease. Therefore, it has been classified as a Variant of Uncertain Significance.